The following is an entry in ClinVar:

ClinVar aggregate classification (germline): Uncertain significance (1 of 4 stars; one submission).

Conditions:
Sulfite oxidase deficiency due to molybdenum cofactor deficiency type C. Also called: Molybdenum cofactor deficiency C; Molybdenum cofactor deficiency, complementation group C. Identifiers: Orphanet 308400, Orphanet 833, MedGen C1854990, MONDO:0014212, OMIM 615501.

Allele frequency attached by ClinVar (database versions not stated): gnomAD exomes below 0.00001; gnomAD 0.00001.
gnomAD v4.1: 5 of 1,613,652 alleles (0.00031%); highest among the groups gnomAD compares: Admixed American, 0.0067%; no homozygotes.

Submission:

Labcorp Genetics (formerly Invitae), Labcorp
Classification: Uncertain significance for Sulfite oxidase deficiency due to molybdenum cofactor deficiency type C. Last evaluated: 2021-06-23. Review status: criteria provided, single submitter. Criteria: Invitae Variant Classification Sherloc (09022015). Collection method: clinical testing. Allele origin: germline.
Comment: In summary, the available evidence is currently insufficient to determine the role of this variant in disease. Therefore, it has been classified as a Variant of Uncertain Significance. Algorithms developed to predict the effect of missense changes on protein structure and function (SIFT, PolyPhen-2, Align-GVGD) all suggest that this variant is likely to be tolerated, but these predictions have not been confirmed by published functional studies and their clinical significance is uncertain. This variant has not been reported in the literature in individuals with GPHN-related disease. This variant is not present in population databases (ExAC no frequency). This sequence change replaces aspartic acid with glutamic acid at codon 181 of the GPHN protein (p.Asp181Glu). The aspartic acid residue is moderately conserved and there is a small physicochemical difference between aspartic acid and glutamic acid.

NM_020806.5(GPHN):c.543T>G (p.Asp181Glu)

Gene: GPHN (gephyrin; plus strand). Cytogenetic location: 14q23.3.
Variant type: single nucleotide variant.
Coding change: c.543T>G on transcript NM_020806.5 (MANE Select); coding-DNA position 543, T replaced by G.
Protein change: p.Asp181Glu; replaces aspartic acid 181 with glutamic acid.
Molecular consequence: missense variant.
Genome position (GRCh38, 1-based): chr14:66,922,752, T>G. VCF-style: chr14-66922752-T-G. GRCh37 (hg19) VCF-style: chr14-67389469-T-G.
Other names: c.543T>G, p.Asp181Glu (NM_001377516.1, NM_001377517.1, NM_001377518.1 and 2 more transcripts); c.582T>G, p.Asp194Glu (NM_001377519.1, NM_001377514.1); short protein forms D181E, D194E.
Identifiers: ClinVar variation 569938 (VCV000569938.9), dbSNP rs990423200, ClinGen allele CA263286986.